The following is an entry in ClinVar:

ClinVar aggregate classification (germline): Uncertain significance (1 of 4 stars; one submission).

Submission:

Ambry Genetics
Classification: Uncertain significance. Last evaluated: 2023-01-21. Review status: criteria provided, single submitter. Criteria: Ambry Variant Classification Scheme 2023. Collection method: clinical testing. Allele origin: germline.
Comment: The p.M2368L variant (also known as c.7102A>T), located in coding exon 25 of the POLQ gene, results from an A to T substitution at nucleotide position 7102. The methionine at codon 2368 is replaced by leucine, an amino acid with highly similar properties. This amino acid position is conserved. In addition, the in silico prediction for this alteration is inconclusive. Since supporting evidence is limited at this time, the clinical significance of this alteration remains unclear.

NM_199420.4(POLQ):c.7102A>T (p.Met2368Leu)

Gene: POLQ (DNA polymerase theta; minus strand). Cytogenetic location: 3q13.33.
Variant type: single nucleotide variant.
Coding change: c.7102A>T on transcript NM_199420.4 (MANE Select); coding-DNA position 7102, A replaced by T.
Protein change: p.Met2368Leu; replaces methionine 2368 with leucine.
Molecular consequence: missense variant.
Genome position (GRCh38, 1-based): chr3:121,460,100, T>A on the plus strand (A>T on the coding strand, the complement: POLQ is on the minus strand). VCF-style: chr3-121460100-T-A. GRCh37 (hg19) VCF-style: chr3-121178947-T-A.
Other names: short protein forms M2368L.
Identifiers: ClinVar variation 2497182 (VCV002497182.2), dbSNP rs2546764583, ClinGen allele CA354106902.
Genomic context (GRCh38, chr3:121,460,100, plus strand): 5'-CTAAAATCACCTGTTTTGCCTGCTGCCTCAGATCATCCCCAACAGACTCTGGCTCAATCA[T>A]CTTCCACTCTGCTGCAATGCTCCTGAAAACATCAGCTCCAGTGTTTAACACTTGAATGAG-3'
Protein context (NP_955452.3, residues 2358-2378): VFRSIAAEWK[Met2368Leu]IEPESVGDDL